The following is an entry in ClinVar:

ClinVar aggregate classification (germline): Conflicting classifications of pathogenicity. Review status: criteria provided, conflicting classifications (1 of 4 stars). 2 submissions from 2 submitters: Uncertain significance (1); Likely benign (1). Last evaluated 2025-07-19.

Conditions:
Inborn genetic diseases. Identifiers: MedGen C0950123, MeSH D030342.
Baller-Gerold syndrome (BGS). Also called: CRANIOSYNOSTOSIS WITH RADIAL DEFECTS. Identifiers: Orphanet 1225, MedGen C0265308, MONDO:0009039, OMIM 218600.

gnomAD v4.1: 2 of 1,585,970 alleles (0.00013%); no homozygotes.

Submissions (2):

Ambry Genetics
Classification: Likely benign for Inborn genetic diseases. Last evaluated: 2025-07-19. Review status: criteria provided, single submitter. Criteria: Ambry Variant Classification Scheme 2023. Collection method: clinical testing. Allele origin: germline.

Labcorp Genetics (formerly Invitae), Labcorp
Classification: Uncertain significance for Baller-Gerold syndrome. Last evaluated: 2021-04-21. Review status: criteria provided, single submitter. Criteria: Invitae Variant Classification Sherloc (09022015). Collection method: clinical testing. Allele origin: germline.
Comment: This variant has not been reported in the literature in individuals with RECQL4-related disease. This variant is not present in population databases (ExAC no frequency). This sequence change replaces serine with leucine at codon 64 of the RECQL4 protein (p.Ser64Leu). The serine residue is moderately conserved and there is a large physicochemical difference between serine and leucine. Algorithms developed to predict the effect of missense changes on protein structure and function output the following: SIFT: "Tolerated"; PolyPhen-2: "Benign"; Align-GVGD: "Class C0". The leucine amino acid residue is found in multiple mammalian species, suggesting that this missense change does not adversely affect protein function. These predictions have not been confirmed by published functional studies and their clinical significance is uncertain. In summary, the available evidence is currently insufficient to determine the role of this variant in disease. Therefore, it has been classified as a Variant of Uncertain Significance.

NM_004260.4(RECQL4):c.191C>T (p.Ser64Leu)

Gene: RECQL4 (RecQ like helicase 4; minus strand). Cytogenetic location: 8q24.3.
Variant type: single nucleotide variant.
Coding change: c.191C>T on transcript NM_004260.4 (MANE Select); coding-DNA position 191, C replaced by T.
Protein change: p.Ser64Leu; replaces serine 64 with leucine.
Molecular consequence: missense variant.
Genome position (GRCh38, 1-based): chr8:144,517,436, G>A on the plus strand (C>T on the coding strand, the complement: RECQL4 is on the minus strand). VCF-style: chr8-144517436-G-A. GRCh37 (hg19) VCF-style: chr8-145742820-G-A.
Other names: short protein forms S64L.
Identifiers: ClinVar variation 529027 (VCV000529027.5), dbSNP rs1554904702, ClinGen allele CA372692544.